The following is an entry in ClinVar:

ClinVar aggregate classification (germline): Likely benign (1 of 4 stars; one submission).

gnomAD v4.1: 864 of 1,614,016 alleles (0.054%); highest among the groups gnomAD compares: Middle Eastern, 1%; 4 homozygotes.

Submission:

CeGaT Center for Human Genetics Tuebingen
Classification: Likely benign. Last evaluated: 2025-06-01. Review status: criteria provided, single submitter. Criteria: CeGaT Center For Human Genetics Tuebingen Variant Classification Criteria Version 2. Collection method: clinical testing. Allele origin: germline. Affected: yes. Observed: 1 variant allele.
Comment: LAMC1: BP4, BP7

NM_002293.4(LAMC1):c.4737C>T (p.Ile1579=)

Gene: LAMC1 (laminin subunit gamma 1; plus strand). Cytogenetic location: 1q25.3.
Variant type: single nucleotide variant.
Coding change: c.4737C>T on transcript NM_002293.4 (MANE Select); coding-DNA position 4737, C replaced by T.
Protein change: p.Ile1579=; no amino-acid change (isoleucine 1579 retained).
Molecular consequence: synonymous variant.
Genome position (GRCh38, 1-based): chr1:183,142,697, C>T. VCF-style: chr1-183142697-C-T. GRCh37 (hg19) VCF-style: chr1-183111832-C-T.
Identifiers: ClinVar variation 4083771 (VCV004083771.8).